The following is an entry in ClinVar:

ClinVar aggregate classification (germline): Uncertain significance. Review status: criteria provided, multiple submitters, no conflicts (2 of 4 stars). 3 submissions from 3 submitters: Uncertain significance (3). Last evaluated 2024-08-01.

Conditions:
Cardiomyopathy (CMYO). Also called: Cardiomyopathies. Identifiers: Orphanet 167848, MedGen C0878544, MONDO:0004994, HP:0001638. Inheritance: Various modes of inheritance.
Arrhythmogenic right ventricular dysplasia 5. Also called: Arrhythmogenic Right Ventricular Dysplasia/Cardiomyopathy 5; ARRHYTHMOGENIC RIGHT VENTRICULAR DYSPLASIA, FAMILIAL, 5. Identifiers: MedGen C1858379, MONDO:0011459, OMIM 604400.
Cardiovascular phenotype. Identifiers: MedGen CN230736.

Allele frequency attached by ClinVar (database versions not stated): gnomAD exomes below 0.00001.
gnomAD v4.1: 1 of 1,614,210 alleles (0.000062%); highest among the groups gnomAD compares: Non-Finnish European, 0.000085%; no homozygotes.

Submissions (3):

Labcorp Genetics (formerly Invitae), Labcorp
Classification: Uncertain significance for Arrhythmogenic right ventricular dysplasia 5. Last evaluated: 2024-08-01. Review status: criteria provided, single submitter. Criteria: Invitae Variant Classification Sherloc (09022015). Collection method: clinical testing. Allele origin: germline.
Comment: This sequence change replaces phenylalanine, which is neutral and non-polar, with leucine, which is neutral and non-polar, at codon 225 of the TMEM43 protein (p.Phe225Leu). This variant is not present in population databases (gnomAD no frequency). This variant has not been reported in the literature in individuals affected with TMEM43-related conditions. ClinVar contains an entry for this variant (Variation ID: 570740). Advanced modeling of protein sequence and biophysical properties (such as structural, functional, and spatial information, amino acid conservation, physicochemical variation, residue mobility, and thermodynamic stability) performed at Invitae indicates that this missense variant is not expected to disrupt TMEM43 protein function with a negative predictive value of 80%. In summary, the available evidence is currently insufficient to determine the role of this variant in disease. Therefore, it has been classified as a Variant of Uncertain Significance.

Color Diagnostics, LLC DBA Color Health
Classification: Uncertain significance for Cardiomyopathy. Last evaluated: 2022-12-05. Review status: criteria provided, single submitter. Criteria: ACMG Guidelines, 2015. Collection method: clinical testing. Allele origin: germline.
Comment: This missense variant replaces phenylalanine with leucine at codon 225 of the TMEM43 protein. Computational prediction suggests that this variant may not impact protein structure and function (internally defined REVEL score threshold <= 0.5, PMID: 27666373). To our knowledge, functional studies have not been reported for this variant. This variant has not been reported in individuals affected with TMEM43-related disorders in the literature. This variant has not been identified in the general population by the Genome Aggregation Database (gnomAD). The available evidence is insufficient to determine the role of this variant in disease conclusively. Therefore, this variant is classified as a Variant of Uncertain Significance.

Ambry Genetics
Classification: Uncertain significance for Cardiovascular phenotype. Last evaluated: 2020-05-29. Review status: criteria provided, single submitter. Criteria: Ambry Variant Classification Scheme 2023. Collection method: clinical testing. Allele origin: germline.
Comment: The p.F225L variant (also known as c.675C>G), located in coding exon 8 of the TMEM43 gene, results from a C to G substitution at nucleotide position 675. The phenylalanine at codon 225 is replaced by leucine, an amino acid with highly similar properties. This amino acid position is highly conserved in available vertebrate species. In addition, the in silico prediction for this alteration is inconclusive. Since supporting evidence is limited at this time, the clinical significance of this alteration remains unclear.

NM_024334.3(TMEM43):c.675C>G (p.Phe225Leu)

Gene: TMEM43 (transmembrane protein 43; plus strand). Cytogenetic location: 3p25.1.
Variant type: single nucleotide variant.
Coding change: c.675C>G on transcript NM_024334.3 (MANE Select); coding-DNA position 675, C replaced by G.
Protein change: p.Phe225Leu; replaces phenylalanine 225 with leucine.
Molecular consequence: missense variant.
Genome position (GRCh38, 1-based): chr3:14,134,861, C>G. VCF-style: chr3-14134861-C-G. GRCh37 (hg19) VCF-style: chr3-14176361-C-G.
Other names: short protein forms F225L.
Identifiers: ClinVar variation 570740 (VCV000570740.11), dbSNP rs1559361776, ClinGen allele CA351535616.